The following is an entry in ClinVar:

NM_001830.4(CLCN4):c.265G>A (p.Asp89Asn)

Gene: CLCN4 (Cl-/H+ antiporter 4; plus strand). Cytogenetic location: Xp22.2.
Variant type: single nucleotide variant.
Coding change: c.265G>A on transcript NM_001830.4 (MANE Select); coding-DNA position 265, G replaced by A.
Protein change: p.Asp89Asn; replaces aspartic acid 89 with asparagine.
Molecular consequence: missense variant. On other transcripts: 5 prime UTR variant (1).
Genome position (GRCh38, 1-based): chrX:10,194,931, G>A. VCF-style: chrX-10194931-G-A. GRCh37 (hg19) VCF-style: chrX-10162971-G-A.
Other names: c.-18G>A (NM_001256944.2); short protein forms D89N.
Identifiers: ClinVar variation 420269 (VCV000420269.6), dbSNP rs1064794385, ClinGen allele CA16621163.

ClinVar aggregate classification (germline): Pathogenic/Likely pathogenic. Review status: criteria provided, multiple submitters, no conflicts (2 of 4 stars). 3 submissions from 3 submitters: Pathogenic (2); Likely pathogenic (1). Last evaluated 2025-05-09.

Submissions (3):

Labcorp Genetics (formerly Invitae), Labcorp
Classification: Pathogenic. Last evaluated: 2025-05-09. Review status: criteria provided, single submitter. Criteria: Invitae Variant Classification Sherloc (09022015). Collection method: clinical testing. Allele origin: germline.
Comment: This sequence change replaces aspartic acid, which is acidic and polar, with asparagine, which is neutral and polar, at codon 89 of the CLCN4 protein (p.Asp89Asn). This variant is not present in population databases (gnomAD no frequency). This missense change has been observed in individual(s) with CLCN4-related conditions (PMID: 36385166, 37789889, 38578438; internal data). In at least one individual the variant was observed to be de novo. ClinVar contains an entry for this variant (Variation ID: 420269). Invitae Evidence Modeling of protein sequence and biophysical properties (such as structural, functional, and spatial information, amino acid conservation, physicochemical variation, residue mobility, and thermodynamic stability) has been performed for this missense variant. However, the output from this modeling did not meet the statistical confidence thresholds required to predict the impact of this variant on CLCN4 protein function. Experimental studies are conflicting or provide insufficient evidence to determine the effect of this variant on CLCN4 function (37789889 and 38578438). For these reasons, this variant has been classified as Pathogenic.

GeneDx
Classification: Pathogenic. Last evaluated: 2024-09-23. Review status: criteria provided, single submitter. Criteria: GeneDx Variant Classification Process June 2021. Collection method: clinical testing. Allele origin: germline. Affected: yes.
Comment: Published functional studies suggest a gain of function effect on channel function (PMID: 36385166, 38578438); In silico analysis supports that this missense variant has a deleterious effect on protein structure/function; Not observed at significant frequency in large population cohorts (gnomAD); This variant is associated with the following publications: (PMID: 37409888, 38578438, 35982159, 33057194, 33504798, 36385166, 37789889)

Laboratoire de Génétique Moléculaire, CHU Bordeaux
Classification: Likely pathogenic. Review status: criteria provided, single submitter. Criteria: ACMG Guidelines, 2015. Collection method: clinical testing. Allele origin: germline. Affected: yes.

Literature cited by the submitters: PubMed 36385166 (cited by Labcorp Genetics (formerly Invitae), Labcorp); PubMed 37789889 (cited by Labcorp Genetics (formerly Invitae), Labcorp); PubMed 38578438 (cited by Labcorp Genetics (formerly Invitae), Labcorp).